The following is an entry in ClinVar:

ClinVar aggregate classification (germline): Uncertain significance. Review status: criteria provided, multiple submitters, no conflicts (2 of 4 stars). 3 submissions from 3 submitters: Uncertain significance (3). Last evaluated 2024-04-19.

Conditions:
Polycystic kidney disease, adult type (PKD1). Also called: Polycystic Kidney Disease 1, Autosomal Dominant; Polycystic kidney disease 1; Polycystic kidney disease 1, severe; Polycystic Kidney, Autosomal Dominant; POLYCYSTIC KIDNEY DISEASE 1 WITH OR WITHOUT POLYCYSTIC LIVER DISEASE; POLYCYSTIC KIDNEY DISEASE, ADULT, TYPE I. Identifiers: MedGen C3149841, MONDO:0008263, OMIM 173900.

Submissions (3):

Fulgent Genetics
Classification: Uncertain significance for Polycystic kidney disease, adult type. Last evaluated: 2024-04-19. Review status: criteria provided, single submitter. Criteria: ACMG Guidelines, 2015. Collection method: clinical testing. Allele origin: germline.

Victorian Clinical Genetics Services, Murdoch Childrens Research Institute
Classification: Uncertain significance for Polycystic kidney disease, adult type. Last evaluated: 2022-03-31. Review status: criteria provided, single submitter. Criteria: ACMG Guidelines, 2015. Collection method: clinical testing. Allele origin: germline. Inheritance: Autosomal dominant inheritance. Affected: yes.
Comment: Based on the classification scheme VCGS_Germline_v1.3.4, this variant is classified as VUS-3A. Following criteria are met: 0102 - Loss of function is a known mechanism of disease in this gene and is associated with polycystic kidney disease 1 (MIM#173900). (I) 0107 - This gene is associated with autosomal dominant disease. Polycystic kidney disease 1 (MIM#173900) is predominantly caused by monoallelic variants, with rare reports of biallelic variants causing disease (OMIM). (I) 0200 - Variant is predicted to result in a missense amino acid change from tryptophan to leucine. (I) 0251 - This variant is heterozygous. (I) 0301 - Variant is absent from gnomAD (both v2 and v3). (SP) 0501 - Missense variant consistently predicted to be damaging by multiple in silico tools or highly conserved with a major amino acid change. (SP) 0600 - Variant is located in the annotated leucine rich repeat C-flanking region (PMID: 11115377, 30526451). (I) 0705 - No comparable missense variants have previous evidence for pathogenicity. Two alternate variants affecting the same residue, p.(Trp139Cys) and p.(Trp139Arg), have each been observed in one ADPKD-affected family (PMIDs:11115377, 32398770). These variants are not considered comparable as they cause a major amino acid change, while the amino acid change in this individual is minor. (I) 0807 - This variant has no previous evidence of pathogenicity. (I) 0905 - No published segregation evidence has been identified for this variant. (I) 1007 - No published functional evidence has been identified for this variant. (I) 1208 - Inheritance information for this variant is not currently available in this individual. (I) Legend: (SP) - Supporting pathogenic, (I) - Information, (SB) - Supporting benign

Department of Pathology and Laboratory Medicine, Sinai Health System
Classification: Uncertain significance for Polycystic kidney disease, adult type. Last evaluated: 2020-02-19. Review status: criteria provided, single submitter. Criteria: ACMG Guidelines, 2015. Collection method: clinical testing. Allele origin: germline. Affected: yes.

Literature cited by the submitters: PubMed 11115377 (cited by Victorian Clinical Genetics Services, Murdoch Childrens Research Institute); PubMed 30526451 (cited by Victorian Clinical Genetics Services, Murdoch Childrens Research Institute); PubMed 32398770 (cited by Victorian Clinical Genetics Services, Murdoch Childrens Research Institute).

NM_001009944.3(PKD1):c.416G>T (p.Trp139Leu)

Gene: PKD1 (polycystin 1, transient receptor potential channel interacting; minus strand). Cytogenetic location: 16p13.3.
Variant type: single nucleotide variant.
Coding change: c.416G>T on transcript NM_001009944.3 (MANE Select); coding-DNA position 416, G replaced by T.
Protein change: p.Trp139Leu; replaces tryptophan 139 with leucine.
Molecular consequence: missense variant.
Genome position (GRCh38, 1-based): chr16:2,118,789, C>A on the plus strand (G>T on the coding strand, the complement: PKD1 is on the minus strand). VCF-style: chr16-2118789-C-A. GRCh37 (hg19) VCF-style: chr16-2168790-C-A.
Other names: c.416G>T, p.Trp139Leu (NM_000296.4); short protein forms W139L.
Identifiers: ClinVar variation 1805468 (VCV001805468.3), dbSNP rs2544883158, ClinGen allele CA394395560.